The following is an entry in ClinVar:

ClinVar aggregate classification (germline): Likely benign (0 of 4 stars; one submission).

Conditions:
DDR2-related disorder. Also called: DDR2-related condition.

Submission:

PreventionGenetics, part of Exact Sciences
Classification: Likely benign for DDR2-related condition. Last evaluated: 2020-11-16. Review status: no assertion criteria provided. Collection method: clinical testing. Allele origin: germline.
Comment: This variant is classified as likely benign based on ACMG/AMP sequence variant interpretation guidelines (Richards et al. 2015 PMID: 25741868, with internal and published modifications).

NM_006182.4(DDR2):c.1674C>T (p.Phe558=)

Gene: DDR2 (discoidin domain receptor tyrosine kinase 2; plus strand). Cytogenetic location: 1q23.3.
Variant type: single nucleotide variant.
Coding change: c.1674C>T on transcript NM_006182.4 (MANE Select); coding-DNA position 1674, C replaced by T.
Protein change: p.Phe558=; no amino-acid change (phenylalanine 558 retained).
Molecular consequence: synonymous variant.
Genome position (GRCh38, 1-based): chr1:162,772,193, C>T. VCF-style: chr1-162772193-C-T. GRCh37 (hg19) VCF-style: chr1-162741983-C-T.
Other names: c.1674C>T, p.Phe558= (NM_001014796.3, NM_001354982.2, NM_001354983.2).
Identifiers: ClinVar variation 3052848 (VCV003052848.2), dbSNP rs2102186500, ClinGen allele CA421451463.
Genomic context (GRCh38, chr1:162,772,193, plus strand): 5'-CTCAGTGCCTGCCGTCACCATGGACCTGCTCTCAGGAAAAGATGTGGCTGTGGAGGAGTT[C>T]CCCAGGAAACTCCTAACTTTCAAAGAGAAGCTGGGAGAAGGACAGTTTGGGGAGGTGAGT-3'
Protein context (NP_006173.2, residues 548-568): LSGKDVAVEE[Phe558=]PRKLLTFKEK